The following is an entry in ClinVar:

ClinVar aggregate classification (germline): Uncertain significance (1 of 4 stars; one submission).

Allele frequency attached by ClinVar (database versions not stated): TOPMed 0.00001; gnomAD 0.00001.
gnomAD v4.1: 1 of 1,611,618 alleles (0.000062%); highest among the groups gnomAD compares: African/African-American, 0.0013%; no homozygotes.

Submission:

Labcorp Genetics (formerly Invitae), Labcorp
Classification: Uncertain significance. Last evaluated: 2022-08-16. Review status: criteria provided, single submitter. Criteria: Invitae Variant Classification Sherloc (09022015). Collection method: clinical testing. Allele origin: germline.
Comment: In summary, the available evidence is currently insufficient to determine the role of this variant in disease. Therefore, it has been classified as a Variant of Uncertain Significance. Algorithms developed to predict the effect of missense changes on protein structure and function are either unavailable or do not agree on the potential impact of this missense change (SIFT: "Deleterious"; PolyPhen-2: "Probably Damaging"; Align-GVGD: "Class C0"). ClinVar contains an entry for this variant (Variation ID: 1393856). This variant has not been reported in the literature in individuals affected with PPCS-related conditions. This variant is not present in population databases (gnomAD no frequency). This sequence change replaces arginine, which is basic and polar, with glycine, which is neutral and non-polar, at codon 65 of the PPCS protein (p.Arg65Gly).

NM_024664.4(PPCS):c.193C>G (p.Arg65Gly)

Genes: CCDC30 (coiled-coil domain containing 30; plus strand), PPCS (phosphopantothenoylcysteine synthetase; plus strand). Cytogenetic location: 1p34.2.
Variant type: single nucleotide variant.
Coding change: c.193C>G on transcript NM_024664.4 (MANE Select); coding-DNA position 193, C replaced by G.
Protein change: p.Arg65Gly; replaces arginine 65 with glycine.
Molecular consequence: missense variant. On other transcripts: 5 prime UTR variant (1), intron variant (6).
Genome position (GRCh38, 1-based): chr1:42,456,758, C>G. VCF-style: chr1-42456758-C-G. GRCh37 (hg19) VCF-style: chr1-42922429-C-G.
Other names: c.-500C>G (NM_001287510.2); c.193C>G, p.Arg65Gly (NM_001287511.2); c.-984+259C>G (NM_001355226.2); c.-328+259C>G (NM_001287507.1); c.-12+259C>G (NM_001287506.1); c.-12+34C>G (NM_001287508.2); c.-12+130C>G (NM_001077447.3); c.-12+175C>G (NM_001287509.2); short protein forms R65G.
Identifiers: ClinVar variation 1393856 (VCV001393856.7), dbSNP rs1294815789, ClinGen allele CA339944077.